The following is an entry in ClinVar:

NM_001128164.2(ATXN1):c.1651C>T (p.Gln551Ter)

Gene: ATXN1 (ataxin 1; minus strand). Cytogenetic location: 6p22.3.
Variant type: single nucleotide variant.
Coding change: c.1651C>T on transcript NM_001128164.2 (MANE Select); coding-DNA position 1651, C replaced by T.
Protein change: p.Gln551Ter; replaces glutamine 551 with a stop codon.
Molecular consequence: nonsense. On other transcripts: 3 prime UTR variant (1).
Genome position (GRCh38, 1-based): chr6:16,326,660, G>A on the plus strand (C>T on the coding strand, the complement: ATXN1 is on the minus strand). VCF-style: chr6-16326660-G-A. GRCh37 (hg19) VCF-style: chr6-16326891-G-A.
Other names: c.1651C>T, p.Gln551Ter (NM_000332.4); c.*1064C>T (NM_001357857.2); short protein forms Q551*.
Identifiers: ClinVar variation 451257 (VCV000451257.3), dbSNP rs1554137844, ClinGen allele CA362809080.
Genomic context (GRCh38, chr6:16,326,660, plus strand): 5'-GCAGCGTAGGGGGAGCCGCCGCCGGGGAGGCCACGGACTGCACCACAGGCAGGTGGATCT[G>A]GGCCTGCACCATGGCTGGGTAGGCGGCCTGGGTGACCAGGGCCTCAGGGTTGAAGTTCTC-3'

ClinVar aggregate classification (germline): Uncertain significance (1 of 4 stars; one submission).

Allele frequency attached by ClinVar (database versions not stated): gnomAD exomes below 0.00001.
gnomAD v4.1: 1 of 1,613,524 alleles (0.000062%); highest among the groups gnomAD compares: Non-Finnish European, 0.000085%; no homozygotes.

Submission:

GeneDx
Classification: Uncertain significance. Last evaluated: 2017-08-07. Review status: criteria provided, single submitter. Criteria: GeneDx Variant Classification (06012015). Collection method: clinical testing. Allele origin: germline. Affected: yes.
Comment: The Q551X variant in the ATXN1 gene has not been reported previously as a pathogenic variant nor as a benign variant, to our knowledge. This variant is predicted to cause loss of normal protein function either through protein truncation or nonsense-mediated mRNA decay. The Q551X variant is not observed in large population cohorts (Lek et al., 2016; 1000 Genomes Consortium et al., 2015; Exome Variant Server). We interpret Q551X as a variant of uncertain significance.